The following is an entry in ClinVar:

ClinVar aggregate classification (germline): Likely pathogenic (1 of 4 stars; one submission).

Conditions:
Familial thoracic aortic aneurysm and aortic dissection (TAAD). Also called: Thoracic aortic aneurysms and dissections. Identifiers: Orphanet 91387, MedGen C4707243, MONDO:0019625.

Submission:

Color Diagnostics, LLC DBA Color Health
Classification: Likely pathogenic for Familial thoracic aortic aneurysm and aortic dissection. Last evaluated: 2025-08-28. Review status: criteria provided, single submitter. Criteria: ACMG Guidelines, 2015. Collection method: clinical testing. Allele origin: germline.
Comment: This variant causes an in-frame deletion of 3 amino acids in the COL3A1 protein (p.Ala379_Gly381del). This variant results in the loss of one Gly-Xaa-Yaa motif within the triple helical domain of the COL3A1 protein. Gly-Xaa-Yaa repeats including highly conserved glycine residues are required for the structural stability of fibrillar collagens (PMID: 7695699, 8218237, 19344236). This variant is expected to have a deleterious impact on COL3A1 gene function. This variant has not been reported in individuals affected with COL3A1-related disorders in the literature. This variant has not been identified in the general population by the Genome Aggregation Database (gnomAD). A different variant, p.Gln367_Gly372del (loss of 2 Gly-Xaa-Yaa motifs), has been observed close to this variant and reported in an individual affected with vascular Ehlers-Danlos syndrome (ClinVar variation ID: 101225). Other variants that cause an in-frame deletion of one or more Gly-Xaa-Yaa motifs within the triple helical domain of the COL3A1 protein are reported as disease-causing (ClinVar-COL3A1). Based on the available evidence, this variant is classified as Likely Pathogenic.

Literature cited by the submitters: PubMed 7695699; PubMed 8218237; PubMed 19344236.

NM_000090.4(COL3A1):c.1135_1143del (p.Ala379_Gly381del)

Gene: COL3A1 (collagen type III alpha 1 chain; plus strand). Cytogenetic location: 2q32.2.
Variant type: Deletion.
Coding change: c.1135_1143del on transcript NM_000090.4 (MANE Select); coding-DNA positions 1135 to 1143, 9 bases deleted (GCTCAAGGT; older notation c.1135_1143delGCTCAAGGT).
Protein change: p.Ala379_Gly381del.
Genome position (GRCh38, 1-based): chr2:188,993,445-188,993,453, GCTCAAGGT deleted; deleting any 9 consecutive bases within chr2:188,993,442-188,993,453 gives the same sequence; the c. name uses the placement nearest the transcript's 3' end. VCF-style (leftmost placement, unchanged base first): chr2-188993441-TGGTGCTCAA-T. GRCh37 (hg19) VCF-style: chr2-189858167-TGGTGCTCAA-T.
Identifiers: ClinVar variation 4757860 (VCV004757860.1).